The following is an entry in ClinVar:

NM_007294.4(BRCA1):c.5432A>G (p.Gln1811Arg)

Gene: BRCA1 (BRCA1 DNA repair associated; minus strand). Cytogenetic location: 17q21.31.
Variant type: single nucleotide variant.
Coding change: c.5432A>G on transcript NM_007294.4 (MANE Select); coding-DNA position 5432, A replaced by G.
Protein change: p.Gln1811Arg; replaces glutamine 1811 with arginine.
Molecular consequence: missense variant. On other transcripts: synonymous variant (17).
Genome position (GRCh38, 1-based): chr17:43,047,678, T>C on the plus strand (A>G on the coding strand, the complement: BRCA1 is on the minus strand). VCF-style: chr17-43047678-T-C. GRCh37 (hg19) VCF-style: chr17-41199695-T-C.
Other names: p.Q1811R:CAG>CGG; 5551A>G; c.5219A>G, p.Gln1740Arg (NM_001407571.1, NM_001407894.1, NM_001407895.1 and 12 more transcripts); c.5498A>G, p.Gln1833Arg (NM_001407581.1, NM_001407582.1); c.5495A>G, p.Gln1832Arg (NM_001407583.1, NM_001407585.1, NM_001407587.1 and 1 more transcripts); c.5492A>G, p.Gln1831Arg (NM_001407590.1, NM_001407591.1); c.5432A>G, p.Gln1811Arg (NM_001407593.1, NM_001407594.1, NM_001407596.1 and 5 more transcripts); c.5429A>G, p.Gln1810Arg (NM_001407610.1, NM_001407611.1, NM_001407612.1 and 14 more transcripts); and 85 more; short protein forms Q1811R, Q707R, Q1832R, Q1764R, Q1642R, Q1684R, Q1699R, Q1721R.
Identifiers: ClinVar variation 55578 (VCV000055578.27), dbSNP rs80357040, ClinGen allele CA003594.

ClinVar aggregate classification (germline): Conflicting classifications of pathogenicity. Review status: criteria provided, conflicting classifications (1 of 4 stars). 11 submissions from 11 submitters: Pathogenic (1); Likely pathogenic (7); Uncertain significance (1). 2 of the submissions do not count toward it. Last evaluated 2026-09-08.

Conditions:
BRCA1-related cancer predisposition. Identifiers: MedGen CN377757, MONDO:0700268.
Hereditary cancer-predisposing syndrome. Also called: Hereditary neoplastic syndrome; Neoplastic Syndromes, Hereditary; Hereditary Cancer Syndrome; Tumor predisposition. Identifiers: Orphanet 140162, MedGen C0027672, MeSH D009386, MONDO:0015356.
Hereditary breast ovarian cancer syndrome. Also called: Breast and ovarian cancer; Hereditary breast and ovarian cancer syndrome; BRCA1- and BRCA2-Associated Hereditary Breast and Ovarian Cancer; Hereditary breast and ovarian cancer syndrome (HBOC); Hereditary breast and/or ovarian cancer syndrome; Hereditary breast and ovarian cancer. Identifiers: Orphanet 145, MedGen C0677776, MeSH D061325, MONDO:0003582. Disease mechanism: loss of function.
Breast-ovarian cancer, familial, susceptibility to, 1 (BROVCA1). Also called: BRCA1 Hereditary Breast and Ovarian Cancer; OVARIAN CANCER, SUSCEPTIBILITY TO. Identifiers: Orphanet 145, MedGen C2676676, MONDO:0011450, OMIM 604370. Disease mechanism: loss of function.

gnomAD v4.1: 1 of 1,614,234 alleles (0.000062%); highest among the groups gnomAD compares: Non-Finnish European, 0.000085%; no homozygotes.

Submissions 1 to 7 of 12:

German Consortium for Hereditary Breast and Ovarian Cancer, University Hospital Cologne
Classification: Uncertain significance for Hereditary breast ovarian cancer syndrome. Last evaluated: 2026-09-08. Review status: criteria provided, single submitter. Criteria: ClinGen BRCA1 1.2.0. Collection method: curation. Allele origin: germline.
Comment: This classification follows the ClinGen ENIGMA BRCA1 v1.2.0 classification scheme; We chose these criteria: PS3 (strong pathogenic): Reported by three calibrated studies to exhibit protein function similar to pathogenic control variants (PMIDs:30209399, 30257991, 30765603) (according to table 9), PM2 (supporting pathogenic): not in gnomAD v2 non-cancer or v3 non-cancer

Labcorp Genetics (formerly Invitae), Labcorp
Classification: Likely pathogenic for Hereditary breast ovarian cancer syndrome. Last evaluated: 2025-08-03. Review status: criteria provided, single submitter. Criteria: Invitae Variant Classification Sherloc (09022015). Collection method: clinical testing. Allele origin: germline.
Comment: This sequence change replaces glutamine, which is neutral and polar, with arginine, which is basic and polar, at codon 1811 of the BRCA1 protein (p.Gln1811Arg). This variant is not present in population databases (gnomAD no frequency). This missense change has been observed in individual(s) with clinical features of BRCA1-related conditions (PMID: 10923033, 21520333). ClinVar contains an entry for this variant (Variation ID: 55578). Invitae Evidence Modeling incorporating data from in vitro experimental studies (PMID: 30209399) indicates that this missense variant is expected to disrupt BRCA1 function with a positive predictive value of 95%. Experimental studies have shown that this missense change affects BRCA1 function (PMID: 12496477, 20516115, 28781887, 30209399, 30765603). In summary, the currently available evidence indicates that the variant is pathogenic, but additional data are needed to prove that conclusively. Therefore, this variant has been classified as Likely Pathogenic.

Quest Diagnostics Nichols Institute San Juan Capistrano
Classification: Pathogenic. Last evaluated: 2025-03-07. Review status: criteria provided, single submitter. Criteria: Quest Diagnostics criteria. Collection method: clinical testing. Allele origin: unknown.
Comment: The BRCA1 c.5432A>G (p.Gln1811Arg) variant has been reported in the published literature in an individual with pancreatic cancer with a familial history of breast cancer (PMID 39256447 (2024)), and in several individuals with a personal and/or familial history of breast cancer (PMID 31853058 (2020), 15235020 (2004)). Multiple functional studies indicate that this variant disrupts BRCA1 transcriptional activation (PMIDs: 30765603 (2019), 30209399 (2018), 28781887 (2016)) and decreases binding activity and specificity (PMID: 20516115 (2010)). This variant has not been reported in large, multi-ethnic general populations (Genome Aggregation Database). Analysis of this variant using bioinformatics tools for the prediction of the effect of amino acid changes on protein structure and function yielded predictions that this variant is damaging. Based on the available information, this variant is classified as pathogenic.

Molecular Pathology, Peter Maccallum Cancer Centre
Classification: Likely pathogenic for Breast-ovarian cancer, familial, susceptibility to, 1. Last evaluated: 2025-02-28. Review status: criteria provided, single submitter. Criteria: ACMG Guidelines, 2015. Collection method: clinical testing. Allele origin: germline. Inheritance: Autosomal dominant inheritance.

Ambry Genetics
Classification: Likely pathogenic for Hereditary cancer-predisposing syndrome. Last evaluated: 2024-12-04. Review status: criteria provided, single submitter. Criteria: Ambry Variant Classification Scheme 2023. Collection method: clinical testing. Allele origin: germline.
Comment: The p.Q1811R variant (also known as c.5432A>G), located in coding exon 21 of the BRCA1 gene, results from an A to G substitution at nucleotide position 5432. The glutamine at codon 1811 is replaced by arginine, an amino acid with highly similar properties. This variant has been reported in a Brazilian pancreatic cancer cohort (Rodrigues LM. Sci Rep. 2024 Sep;14(1):21083). Multiple functional assays report this variant as having a deleterious impact (Findlay GM et al. Nature, 2018 10;562:217-222; Carvalho MA et al. Cancer Biol. Ther.;1:502-8; Lee MS et al. Cancer Res., 2010 Jun;70:4880-90; Petitalot A. Mol Cancer Res. 2019 Jan;17(1):54-69). This amino acid position is highly conserved in available vertebrate species. In addition, this alteration is predicted to be deleterious by in silico analysis. Based on the majority of available evidence to date, this variant is likely to be pathogenic.

Color Diagnostics, LLC DBA Color Health
Classification: Likely pathogenic for Hereditary cancer-predisposing syndrome. Last evaluated: 2024-10-15. Review status: criteria provided, single submitter. Criteria: ACMG Guidelines, 2015. Collection method: clinical testing. Allele origin: germline.
Comment: This missense variant replaces glutamine with arginine at codon 1811 of the BRCA1 protein. Computational predictions suggest that this variant may have deleterious impact on protein structure and function (PMID: 27666373, 37733863). Functional studies have reported that this variant impacts BRCA1 functions in transcription activation, phosphopeptide binding, protease sensitivity, homology-directed DNA repair and a haploid cell proliferation assay (PMID: 12496477, 20516115, 30209399, 30257991, 30765603). This variant has been detected in three individuals affected with breast cancer (PMID: 38640836, 38709234; Color internal data). A multifactorial analysis has reported a likelihood ratio for pathogenicity based on personal and family history of 0.983 from log(LR)=-0.007226169 for three carriers (PMID: 31853058). A different missense variant at this codon, c.5432A>C (p.Gln1811Pro), has been reported as likely disease-causing in ClinVar (variation ID: 868483). This variant has not been identified in the general population by the Genome Aggregation Database (gnomAD). This variant has not been identified in the general population by the Genome Aggregation Database (gnomAD). Based on the available evidence, this variant is classified as Likely Pathogenic.

All of Us Research Program, National Institutes of Health
Classification: Likely pathogenic for BRCA1-related cancer predisposition. Last evaluated: 2024-09-12. Review status: criteria provided, single submitter. Criteria: ACMG Guidelines, 2015. Collection method: clinical testing. Allele origin: germline. Inheritance: Autosomal dominant inheritance. Observed: 1 variant allele, 1 heterozygote.
Comment: The c.5432A>G (p.Gln1811Arg) variant in the BRCA1 gene replaces glutamine with arginine at codon 1811 in exon 22. This variant has been identified in three individuals in a large hereditary cancer multigene panel testing cohort study (PMID: 31853058). Experimental studies have shown that this variant may lead to reduced transcription activity, and defective homology-directed DNA repair and localization (PMID: 12496477, 28781887, 30209399, 30257991, 30765603, 35196514). This variant is absent in the general population database gnomAD. Computational prediction algortihms suggest a deleterious effect (REVEL score 0.70). This variant has been reported in ClinVar as likely pathogenic by multiple submitters (Variation ID: 55578). Therefore, the c.5432A>G (p.Gln1811Arg) variant in the BRCA1 gene is classified as likely pathogenic.

This study involves interpretation of variants in research participants for the purpose of population health screening. Participant phenotype was not available at the time of variant classification. Additional details can be found in publication PMID: 35346344, PMCID: PMC8962531